The following is an entry in ClinVar:

ClinVar aggregate classification (germline): Uncertain significance. Review status: criteria provided, multiple submitters, no conflicts (2 of 4 stars). 2 submissions from 2 submitters: Uncertain significance (2). Last evaluated 2024-10-24.

Conditions:
Dystonia 12 (DYT12). Also called: DYT-ATP1A3; Rapid-Onset Dystonia-Parkinsonism (RDP). Identifiers: Orphanet 71517, MedGen C1868681, MONDO:0007496, OMIM 128235.

Allele frequency attached by ClinVar (database versions not stated): TOPMed below 0.00001; ExAC 0.00001; gnomAD exomes 0.00001.
gnomAD v4.1: 3 of 1,613,860 alleles (0.00019%); highest among the groups gnomAD compares: Non-Finnish European, 0.00025%; no homozygotes.

Submissions (2):

Labcorp Genetics (formerly Invitae), Labcorp
Classification: Uncertain significance for Dystonia 12. Last evaluated: 2024-10-24. Review status: criteria provided, single submitter. Criteria: Invitae Variant Classification Sherloc (09022015). Collection method: clinical testing. Allele origin: germline.
Comment: This sequence change falls in intron 15 of the ATP1A3 gene. It does not directly change the encoded amino acid sequence of the ATP1A3 protein. It affects a nucleotide within the consensus splice site. This variant is present in population databases (rs782736392, gnomAD no frequency). This variant has not been reported in the literature in individuals affected with ATP1A3-related conditions. ClinVar contains an entry for this variant (Variation ID: 855443). Variants that disrupt the consensus splice site are a relatively common cause of aberrant splicing (PMID: 17576681, 9536098). Algorithms developed to predict the effect of sequence changes on RNA splicing suggest that this variant is not likely to affect RNA splicing. In summary, the available evidence is currently insufficient to determine the role of this variant in disease. Therefore, it has been classified as a Variant of Uncertain Significance.

Institute for Clinical Genetics, University Hospital TU Dresden, University Hospital TU Dresden
Classification: Uncertain significance. Last evaluated: 2022-12-13. Review status: criteria provided, single submitter. Criteria: ACMG Guidelines, 2015. Collection method: clinical testing. Allele origin: germline.

Literature cited by the submitters: PubMed 17576681 (cited by Labcorp Genetics (formerly Invitae), Labcorp); PubMed 9536098 (cited by Labcorp Genetics (formerly Invitae), Labcorp).

NM_152296.5(ATP1A3):c.2095-3C>T

Gene: ATP1A3 (ATPase Na+/K+ transporting subunit alpha 3; minus strand). Cytogenetic location: 19q13.2.
Variant type: single nucleotide variant.
Coding change: c.2095-3C>T on transcript NM_152296.5 (MANE Select); 3 bases into the intron before coding-DNA position 2095, C replaced by T.
Molecular consequence: intron variant.
Genome position (GRCh38, 1-based): chr19:41,975,800, G>A on the plus strand (C>T on the coding strand, the complement: ATP1A3 is on the minus strand). VCF-style: chr19-41975800-G-A. GRCh37 (hg19) VCF-style: chr19-42479952-G-A.
Other names: c.2134-3C>T (NM_001256214.2); c.2128-3C>T (NM_001256213.2).
Identifiers: ClinVar variation 855443 (VCV000855443.10), dbSNP rs782736392, ClinGen allele CA9467467.